The following is an entry in ClinVar:

NM_005902.4(SMAD3):c.968G>A (p.Arg323His)

Gene: SMAD3 (SMAD family member 3; plus strand). Cytogenetic location: 15q22.33.
Variant type: single nucleotide variant.
Coding change: c.968G>A on transcript NM_005902.4 (MANE Select); coding-DNA position 968, G replaced by A.
Protein change: p.Arg323His; replaces arginine 323 with histidine.
Molecular consequence: missense variant.
Genome position (GRCh38, 1-based): chr15:67,184,823, G>A. VCF-style: chr15-67184823-G-A. GRCh37 (hg19) VCF-style: chr15-67477161-G-A.
Other names: c.653G>A, p.Arg218His (NM_001145102.2); c.836G>A, p.Arg279His (NM_001145103.2); c.383G>A, p.Arg128His (NM_001145104.2); short protein forms R323H, R279H, R218H, R128H.
Identifiers: ClinVar variation 405558 (VCV000405558.13), dbSNP rs758586312, ClinGen allele CA062868.

ClinVar aggregate classification (germline): Conflicting classifications of pathogenicity. Review status: criteria provided, conflicting classifications (1 of 4 stars). 5 submissions from 5 submitters: Uncertain significance (4); Likely benign (1). Last evaluated 2025-11-27.

Conditions:
Familial thoracic aortic aneurysm and aortic dissection (TAAD). Also called: Thoracic aortic aneurysms and dissections. Identifiers: Orphanet 91387, MedGen C4707243, MONDO:0019625.

Allele frequency attached by ClinVar (database versions not stated): gnomAD exomes 0.00001 and 0.00002; TOPMed 0.00001; ExAC 0.00002; gnomAD 0.00002.
gnomAD v4.1: 22 of 1,613,464 alleles (0.0014%); highest among the groups gnomAD compares: Middle Eastern, 0.036%; no homozygotes.

Submissions (5):

Labcorp Genetics (formerly Invitae), Labcorp
Classification: Likely benign for Familial thoracic aortic aneurysm and aortic dissection. Last evaluated: 2025-11-27. Review status: criteria provided, single submitter. Criteria: Invitae Variant Classification Sherloc (09022015). Collection method: clinical testing. Allele origin: germline.

Ambry Genetics
Classification: Uncertain significance for Familial thoracic aortic aneurysm and aortic dissection. Last evaluated: 2025-03-07. Review status: criteria provided, single submitter. Criteria: Ambry Variant Classification Scheme 2023. Collection method: clinical testing. Allele origin: germline.
Comment: The p.R323H variant (also known as c.968G>A), located in coding exon 7 of the SMAD3 gene, results from a G to A substitution at nucleotide position 968. The arginine at codon 323 is replaced by histidine, an amino acid with highly similar properties. This amino acid position is highly conserved in available vertebrate species. In addition, the in silico prediction for this alteration is inconclusive. Based on the available evidence, the clinical significance of this variant remains unclear.

GeneDx
Classification: Uncertain significance. Last evaluated: 2025-02-11. Review status: criteria provided, single submitter. Criteria: GeneDx Variant Classification Process June 2021. Collection method: clinical testing. Allele origin: germline. Affected: yes.
Comment: Not observed at significant frequency in large population cohorts (gnomAD); In silico analysis supports that this missense variant has a deleterious effect on protein structure/function; Has not been previously published as pathogenic or benign to our knowledge

Color Diagnostics, LLC DBA Color Health
Classification: Uncertain significance for Familial thoracic aortic aneurysm and aortic dissection. Last evaluated: 2024-12-10. Review status: criteria provided, single submitter. Criteria: ACMG Guidelines, 2015. Collection method: clinical testing. Allele origin: germline.
Comment: This missense variant replaces arginine with histidine at codon 323 of the SMAD3 protein. Computational prediction is inconclusive regarding the impact of this variant on protein structure and function (internally defined REVEL score threshold 0.5 < inconclusive < 0.7, PMID: 27666373). To our knowledge, functional studies have not been reported for this variant. This variant has not been reported in individuals affected with SMAD3-related disorders in the literature. This variant has been identified in 5/282830 chromosomes in the general population by the Genome Aggregation Database (gnomAD). The available evidence is insufficient to determine the role of this variant in disease conclusively. Therefore, this variant is classified as a Variant of Uncertain Significance.

Blueprint Genetics
Classification: Uncertain significance. Last evaluated: 2023-09-22. Review status: criteria provided, single submitter. Criteria: ACMG Guidelines, 2015. Collection method: clinical testing. Allele origin: germline.